The following is an entry in ClinVar:

ClinVar aggregate classification (germline): Likely pathogenic (1 of 4 stars; one submission).

Conditions:
USP53-related disorder. Also called: USP53-related condition.

Submission:

PreventionGenetics, part of Exact Sciences
Classification: Likely pathogenic for USP53-related condition. Last evaluated: 2022-09-27. Review status: criteria provided, single submitter. Criteria: ACMG Guidelines, 2015. Collection method: clinical testing. Allele origin: germline.
Comment: The USP53 c.1636dupA variant is predicted to result in a frameshift and premature protein termination (p.Ile546Asnfs*6). To our knowledge, this variant has not been reported in the literature or in a large population database, indicating this variant is rare. Frameshift variants in USP53 are expected to be pathogenic. This variant is interpreted as likely pathogenic.

NM_001371395.1(USP53):c.1636dup (p.Ile546fs)

Gene: USP53 (ubiquitin specific peptidase 53; plus strand). Cytogenetic location: 4q26.
Variant type: Duplication.
Coding change: c.1636dup on transcript NM_001371395.1 (MANE Select); coding-DNA position 1636, one base duplicated (A; older notation c.1636dupA).
Protein change: p.Ile546fs; shifts the reading frame from isoleucine 546.
Molecular consequence: frameshift variant.
Genome position (GRCh38, 1-based): chr4:119,271,496, A duplicated; the last of 4 consecutive A bases (chr4:119,271,493-119,271,496); duplicating any one gives the same sequence. VCF-style (leftmost placement, unchanged base first): chr4-119271492-G-GA. GRCh37 (hg19) VCF-style: chr4-120192647-G-GA.
Other names: c.1483dup, p.Ile495fs (NM_001371396.1, NM_001389661.1); c.1636dup, p.Ile546fs (NM_001371397.1, NM_001371398.1, NM_001371399.1 and 3 more transcripts); c.1486dup, p.Ile496fs (NM_001389660.1); c.1288dup, p.Ile430fs (NM_001389662.1, NM_001389663.1, NM_001389664.1 and 1 more transcripts); c.1135dup, p.Ile379fs (NM_001389665.1, NM_001389667.1); short protein forms I379fs, I430fs, I495fs, I496fs, I546fs.
Identifiers: ClinVar variation 2637328 (VCV002637328.1), dbSNP rs2530650387, ClinGen allele CA2695198513.